The following is an entry in ClinVar:

ClinVar aggregate classification (germline): Pathogenic (1 of 4 stars; one submission).

Submission:

Labcorp Genetics (formerly Invitae), Labcorp
Classification: Pathogenic. Last evaluated: 2021-09-19. Review status: criteria provided, single submitter. Criteria: Invitae Variant Classification Sherloc (09022015). Collection method: clinical testing. Allele origin: germline.
Comment: This sequence change creates a premature translational stop signal (p.Lys730Argfs*36) in the SORL1 gene. It is expected to result in an absent or disrupted protein product. Loss-of-function variants in SORL1 are known to be pathogenic (PMID: 26303663, 27026413). For these reasons, this variant has been classified as Pathogenic. This variant has not been reported in the literature in individuals affected with SORL1-related conditions. This variant is present in population databases (rs758413354, ExAC 0.009%).

Literature cited by the submitters: PubMed 26303663; PubMed 27026413.

NM_003105.6(SORL1):c.2187del (p.Lys730fs)

Gene: SORL1 (sortilin related receptor 1; plus strand). Cytogenetic location: 11q24.1.
Variant type: Deletion.
Coding change: c.2187del on transcript NM_003105.6 (MANE Select); coding-DNA position 2187, one base deleted (G; older notation c.2187delG).
Protein change: p.Lys730fs; shifts the reading frame from lysine 730.
Molecular consequence: frameshift variant.
Genome position (GRCh38, 1-based): chr11:121,550,591, G deleted; the last of 2 consecutive G bases (chr11:121,550,590-121,550,591); deleting either gives the same sequence. VCF-style (leftmost placement, unchanged base first): chr11-121550589-CG-C. GRCh37 (hg19) VCF-style: chr11-121421298-CG-C.
Other names: short protein forms K730fs.
Identifiers: ClinVar variation 1405874 (VCV001405874.6), dbSNP rs758413354, ClinGen allele CA6328869.